The following is an entry in ClinVar:

NM_198253.3(TERT):c.1169G>A (p.Arg390Gln)

Gene: TERT (telomerase reverse transcriptase; minus strand). Cytogenetic location: 5p15.33.
Variant type: single nucleotide variant.
Coding change: c.1169G>A on transcript NM_198253.3 (MANE Select); coding-DNA position 1169, G replaced by A.
Protein change: p.Arg390Gln; replaces arginine 390 with glutamine.
Molecular consequence: missense variant. On other transcripts: non-coding transcript variant (2).
Genome position (GRCh38, 1-based): chr5:1,293,717, C>T on the plus strand (G>A on the coding strand, the complement: TERT is on the minus strand). VCF-style: chr5-1293717-C-T. GRCh37 (hg19) VCF-style: chr5-1293832-C-T.
Other names: c.1169G>A, p.Arg390Gln (NM_001193376.3); short protein forms R390Q.
Identifiers: ClinVar variation 960247 (VCV000960247.10), dbSNP rs1751155418, ClinGen allele CA359086661.

ClinVar aggregate classification (germline): Uncertain significance (1 of 4 stars; one submission).

Conditions:
Idiopathic Pulmonary Fibrosis. Also called: Idiopathic fibrosing alveolitis, chronic form; idiopathic fibrosing alveolitis. Identifiers: Orphanet 2032, MedGen C1800706, MeSH D054990, MONDO:0800504.
Dyskeratosis congenita, autosomal dominant 2. Identifiers: MedGen C3151443, MONDO:0013521, OMIM 613989.

Submission:

Labcorp Genetics (formerly Invitae), Labcorp
Classification: Uncertain significance for Dyskeratosis congenita, autosomal dominant 2; Idiopathic Pulmonary Fibrosis. Last evaluated: 2020-11-10. Review status: criteria provided, single submitter. Criteria: Invitae Variant Classification Sherloc (09022015). Collection method: clinical testing. Allele origin: germline.
Comment: Algorithms developed to predict the effect of sequence changes on RNA splicing suggest that this variant may create or strengthen a splice site, but this prediction has not been confirmed by published transcriptional studies. In summary, the available evidence is currently insufficient to determine the role of this variant in disease. Therefore, it has been classified as a Variant of Uncertain Significance. Algorithms developed to predict the effect of missense changes on protein structure and function are either unavailable or do not agree on the potential impact of this missense change (SIFT: "Tolerated"; PolyPhen-2: "Probably Damaging"; Align-GVGD: "Class C0"). This variant has not been reported in the literature in individuals with TERT-related conditions. This variant is not present in population databases (ExAC no frequency). This sequence change replaces arginine with glutamine at codon 390 of the TERT protein (p.Arg390Gln). The arginine residue is moderately conserved and there is a small physicochemical difference between arginine and glutamine.